The following is an entry in ClinVar:

NM_004064.5(CDKN1B):c.398C>T (p.Pro133Leu)

Gene: CDKN1B (cyclin dependent kinase inhibitor 1B; plus strand). Cytogenetic location: 12p13.1.
Variant type: single nucleotide variant.
Coding change: c.398C>T on transcript NM_004064.5 (MANE Select); coding-DNA position 398, C replaced by T.
Protein change: p.Pro133Leu; replaces proline 133 with leucine.
Molecular consequence: missense variant.
Genome position (GRCh38, 1-based): chr12:12,718,237, C>T. VCF-style: chr12-12718237-C-T. GRCh37 (hg19) VCF-style: chr12-12871171-C-T.
Other names: short protein forms P133L.
Identifiers: ClinVar variation 2823743 (VCV002823743.3), dbSNP rs1592281206, ClinGen allele CA383970606.

ClinVar aggregate classification (germline): Uncertain significance (1 of 4 stars; one submission).

Conditions:
Multiple endocrine neoplasia type 4. Also called: MULTIPLE ENDOCRINE NEOPLASIA, TYPE IV. Identifiers: Orphanet 276152, MedGen C1970712, MONDO:0012552, OMIM 610755.

Submission:

Labcorp Genetics (formerly Invitae), Labcorp
Classification: Uncertain significance for Multiple endocrine neoplasia type 4. Last evaluated: 2022-12-24. Review status: criteria provided, single submitter. Criteria: Invitae Variant Classification Sherloc (09022015). Collection method: clinical testing. Allele origin: germline.
Comment: In summary, the available evidence is currently insufficient to determine the role of this variant in disease. Therefore, it has been classified as a Variant of Uncertain Significance. Algorithms developed to predict the effect of missense changes on protein structure and function (SIFT, PolyPhen-2, Align-GVGD) all suggest that this variant is likely to be tolerated. This variant has not been reported in the literature in individuals affected with CDKN1B-related conditions. This variant is not present in population databases (gnomAD no frequency). This sequence change replaces proline, which is neutral and non-polar, with leucine, which is neutral and non-polar, at codon 133 of the CDKN1B protein (p.Pro133Leu).